The following is an entry in ClinVar:

ClinVar aggregate classification (germline): Uncertain significance. Review status: criteria provided, multiple submitters, no conflicts (2 of 4 stars). 2 submissions from 2 submitters: Uncertain significance (2). Last evaluated 2023-04-27.

Conditions:
Arrhythmogenic cardiomyopathy with wooly hair and keratoderma. Also called: Carvajal syndrome; Dilated cardiomyopathy with woolly hair and keratoderma; Arrhythmogenic cardiomyopathy with woolly hair and keratoderma; PALMOPLANTAR KERATODERMA WITH LEFT VENTRICULAR CARDIOMYOPATHY AND WOOLLY HAIR. Identifiers: Orphanet 65282, MedGen C1854063, MONDO:0011581, OMIM 605676.

Allele frequency attached by ClinVar (database versions not stated): gnomAD exomes below 0.00001 and 0.00001.
gnomAD v4.1: 2 of 1,614,200 alleles (0.00012%); highest among the groups gnomAD compares: Admixed American, 0.0033%; no homozygotes.

Submissions (2):

All of Us Research Program, National Institutes of Health
Classification: Uncertain significance for Arrhythmogenic cardiomyopathy with wooly hair and keratoderma. Last evaluated: 2023-04-27. Review status: criteria provided, single submitter. Criteria: ACMG Guidelines, 2015. Collection method: clinical testing. Allele origin: germline. Inheritance: Autosomal dominant inheritance. Observed: 1 variant allele, 1 heterozygote.
Comment: This study involves interpretation of variants in research participants for the purpose of population health screening. Participant phenotype was not available at the time of variant classification. Additional details can be found in publication PMID: 35346344, PMCID: PMC8962531

Women's Health and Genetics/Laboratory Corporation of America, LabCorp
Classification: Uncertain significance. Last evaluated: 2021-12-14. Review status: criteria provided, single submitter. Criteria: LabCorp Variant Classification Summary - May 2015. Collection method: clinical testing. Allele origin: germline.

NM_004415.4(DSP):c.2372T>C (p.Leu791Pro)

Gene: DSP (desmoplakin; plus strand). Cytogenetic location: 6p24.3.
Variant type: single nucleotide variant.
Coding change: c.2372T>C on transcript NM_004415.4 (MANE Select); coding-DNA position 2372, T replaced by C.
Protein change: p.Leu791Pro; replaces leucine 791 with proline.
Molecular consequence: missense variant.
Genome position (GRCh38, 1-based): chr6:7,574,731, T>C. VCF-style: chr6-7574731-T-C. GRCh37 (hg19) VCF-style: chr6-7574964-T-C.
Other names: c.2372T>C, p.Leu791Pro (NM_001008844.3, NM_001319034.2); short protein forms L791P.
Identifiers: ClinVar variation 1331404 (VCV001331404.2), dbSNP rs1406788095, ClinGen allele CA362681179.